The following is an entry in ClinVar:

NM_001205293.3(CACNA1E):c.1931C>T (p.Pro644Leu)

Gene: CACNA1E (calcium voltage-gated channel subunit alpha1 E; plus strand). Cytogenetic location: 1q25.3.
Variant type: single nucleotide variant.
Coding change: c.1931C>T on transcript NM_001205293.3 (MANE Select); coding-DNA position 1931, C replaced by T.
Protein change: p.Pro644Leu; replaces proline 644 with leucine.
Molecular consequence: missense variant.
Genome position (GRCh38, 1-based): chr1:181,720,830, C>T. VCF-style: chr1-181720830-C-T. GRCh37 (hg19) VCF-style: chr1-181689966-C-T.
Other names: c.1931C>T, p.Pro644Leu (NM_000721.4, NM_001205294.2); short protein forms P644L.
Identifiers: ClinVar variation 2501562 (VCV002501562.1), dbSNP rs2528555113, ClinGen allele CA343627208.

ClinVar aggregate classification (germline): Uncertain significance (1 of 4 stars; one submission).

Submission:

GeneDx
Classification: Uncertain significance. Last evaluated: 2022-11-07. Review status: criteria provided, single submitter. Criteria: GeneDx Variant Classification Process June 2021. Collection method: clinical testing. Allele origin: germline. Affected: yes.
Comment: Not observed at significant frequency in large population cohorts (gnomAD); In silico analysis supports that this missense variant has a deleterious effect on protein structure/function; Has not been previously published as pathogenic or benign to our knowledge